The following is an entry in ClinVar:

ClinVar aggregate classification (germline): Likely benign. Review status: criteria provided, multiple submitters, no conflicts (2 of 4 stars). 4 submissions from 4 submitters: Likely benign (3). 1 of the submissions does not count toward it. Last evaluated 2026-02-02.

Conditions:
Hereditary hemochromatosis (HFE). Identifiers: MedGen C0392514, MONDO:0006507. Disease mechanism: loss of function.
TFR2-related disorder. Also called: TFR2-related condition.
Hemochromatosis type 3 (HFE3). Also called: Hereditary hemochromatosis type 3; TFR2-Related Hemochromatosis; HEMOCHROMATOSIS DUE TO DEFECT IN TRANSFERRIN RECEPTOR 2. Identifiers: Orphanet 225123, MedGen C1858664, MONDO:0011417, OMIM 604250.

Allele frequency attached by ClinVar (database versions not stated): gnomAD 0.00006 and 0.00012; gnomAD exomes 0.00007 and 0.00041; TOPMed 0.00015; ExAC 0.00041; 1000 Genomes Project 30x 0.00141; 1000 Genomes Project 0.00160.
gnomAD v4.1: 154 of 1,613,098 alleles (0.0095%); highest among the groups gnomAD compares: East Asian, 0.26%; no homozygotes.

Submissions (4):

Labcorp Genetics (formerly Invitae), Labcorp
Classification: Likely benign for Hereditary hemochromatosis. Last evaluated: 2026-02-02. Review status: criteria provided, single submitter. Criteria: Invitae Variant Classification Sherloc (09022015). Collection method: clinical testing. Allele origin: germline.

PreventionGenetics, part of Exact Sciences
Classification: Likely benign for TFR2-related condition. Last evaluated: 2025-07-28. Review status: criteria provided, single submitter. Criteria: ACMG Guidelines, 2015. Collection method: clinical testing. Allele origin: germline.
Comment: This variant is classified as likely benign based on ACMG/AMP sequence variant interpretation guidelines (Richards et al. 2015 PMID: 25741868, with internal and published modifications).

Illumina Laboratory Services, Illumina
Classification: Likely benign for Hemochromatosis type 3. Last evaluated: 2018-01-13. Review status: criteria provided, single submitter. Criteria: ICSL Variant Classification Criteria 13 December 2019. Collection method: clinical testing. Allele origin: germline.
Comment: This variant was observed in the ICSL laboratory as part of a predisposition screen in an ostensibly healthy population. It had not been previously curated by ICSL or reported in the Human Gene Mutation Database (HGMD: prior to June 1st, 2018), and was therefore a candidate for classification through an automated scoring system. Utilizing variant allele frequency, disease prevalence and penetrance estimates, and inheritance mode, an automated score was calculated to assess if this variant is too frequent to cause the disease. Based on the score and internal cut-off values, a variant classified as likely benign is not then subjected to further curation. The score for this variant resulted in a classification of likely benign for this disease.

Natera, Inc.
Classification: Likely benign for Hereditary hemochromatosis type 3. Last evaluated: 2019-11-11. Review status: no assertion criteria provided. Collection method: clinical testing. Allele origin: germline. Not counted in ClinVar's aggregate classification.

NM_003227.4(TFR2):c.1249A>G (p.Ile417Val)

Gene: TFR2 (transferrin receptor 2; minus strand). Cytogenetic location: 7q22.1.
Variant type: single nucleotide variant.
Coding change: c.1249A>G on transcript NM_003227.4 (MANE Select); coding-DNA position 1249, A replaced by G.
Protein change: p.Ile417Val; replaces isoleucine 417 with valine.
Molecular consequence: missense variant.
Genome position (GRCh38, 1-based): chr7:100,630,910, T>C on the plus strand (A>G on the coding strand, the complement: TFR2 is on the minus strand). VCF-style: chr7-100630910-T-C. GRCh37 (hg19) VCF-style: chr7-100228533-T-C.
Other names: c.736A>G, p.Ile246Val (NM_001206855.3); short protein forms I417V, I246V.
Identifiers: ClinVar variation 358292 (VCV000358292.18), dbSNP rs141101651, ClinGen allele CA4386521.